The following is an entry in ClinVar:

ClinVar aggregate classification (germline): Uncertain significance (1 of 4 stars; one submission).

Conditions:
Isolated neonatal sclerosing cholangitis (NSC). Also called: Sclerosing cholangitis, neonatal. Identifiers: Orphanet 480556, MedGen C4479344, MONDO:0018816, OMIM 617394.
Autosomal recessive nonsyndromic hearing loss 66 (DFNB66). Also called: Deafness, autosomal recessive 66. Identifiers: Orphanet 90636, MedGen C1857750, MONDO:0012442, OMIM 610212.

Submission:

Labcorp Genetics (formerly Invitae), Labcorp
Classification: Uncertain significance for Autosomal recessive nonsyndromic hearing loss 66; Isolated neonatal sclerosing cholangitis. Last evaluated: 2026-01-18. Review status: criteria provided, single submitter. Criteria: Invitae Variant Classification Sherloc (09022015). Collection method: clinical testing. Allele origin: germline.
Comment: This sequence change replaces lysine, which is basic and polar, with methionine, which is neutral and non-polar, at codon 227 of the DCDC2 protein (p.Lys227Met). This variant is not present in population databases (gnomAD no frequency). This variant has not been reported in the literature in individuals affected with DCDC2-related conditions. Invitae Evidence Modeling of protein sequence and biophysical properties (such as structural, functional, and spatial information, amino acid conservation, physicochemical variation, residue mobility, and thermodynamic stability) indicates that this missense variant is expected to disrupt DCDC2 protein function with a positive predictive value of 80%. In summary, the available evidence is currently insufficient to determine the role of this variant in disease. Therefore, it has been classified as a Variant of Uncertain Significance.

NM_016356.5(DCDC2):c.680A>T (p.Lys227Met)

Gene: DCDC2 (doublecortin domain containing 2; minus strand). Cytogenetic location: 6p22.3.
Variant type: single nucleotide variant.
Coding change: c.680A>T on transcript NM_016356.5 (MANE Select); coding-DNA position 680, A replaced by T.
Protein change: p.Lys227Met; replaces lysine 227 with methionine.
Molecular consequence: missense variant.
Genome position (GRCh38, 1-based): chr6:24,290,956, T>A on the plus strand (A>T on the coding strand, the complement: DCDC2 is on the minus strand). VCF-style: chr6-24290956-T-A. GRCh37 (hg19) VCF-style: chr6-24291184-T-A.
Other names: c.680A>T, p.Lys227Met (NM_001195610.2); short protein forms K227M.
Identifiers: ClinVar variation 4790307 (VCV004790307.1).